The following is an entry in ClinVar:

NM_020750.3(XPO5):c.1654G>A (p.Val552Ile)

Genes: POLR1C (RNA polymerase I and III subunit C; plus strand), XPO5 (exportin 5; minus strand). Cytogenetic location: 6p21.1.
Variant type: single nucleotide variant.
Coding change: c.1654G>A on transcript NM_020750.3 (MANE Select); coding-DNA position 1654, G replaced by A.
Protein change: p.Val552Ile; replaces valine 552 with isoleucine.
Molecular consequence: missense variant. On other transcripts: non-coding transcript variant (1), intron variant (1).
Genome position (GRCh38, 1-based): chr6:43,551,372, C>T on the plus strand (G>A on the coding strand, the complement: XPO5 is on the minus strand). VCF-style: chr6-43551372-C-T. GRCh37 (hg19) VCF-style: chr6-43519109-C-T.
Other names: c.*42+361C>T (NM_001363658.2); short protein forms V552I.
Identifiers: ClinVar variation 224963 (VCV000224963.8), dbSNP rs11544379, ClinGen allele CA357854.
Genomic context (GRCh38, chr6:43,551,372, plus strand): 5'-GGGGCAGGAACTCTGGTCTGTAGGTGACAAATGGAAAGAGTGCAGAGACATTAGTAAGGA[C>T]GCAGGACAGGATGAGGGGATCCTTGGTATCAAAGTTCAGAACCATCTGCAATAGCTCTAT-3'
Protein context (NP_065801.1, residues 542-562): DTKDPLILSC[Val552Ile]LTNVSALFPF

ClinVar aggregate classification (germline): Uncertain significance. Review status: criteria provided, single submitter (1 of 4 stars). 2 submissions from 2 submitters: Uncertain significance (1). 1 of the submissions does not count toward it. Last evaluated 2024-04-23.

Allele frequency attached by ClinVar (database versions not stated): gnomAD exomes 0.00001 and below 0.00001; TOPMed below 0.00001; gnomAD 0.00001.
gnomAD v4.1: 8 of 1,613,712 alleles (0.0005%); highest among the groups gnomAD compares: East Asian, 0.0022%; no homozygotes.

Submissions (2):

Labcorp Genetics (formerly Invitae), Labcorp
Classification: Uncertain significance. Last evaluated: 2024-04-23. Review status: criteria provided, single submitter. Criteria: Invitae Variant Classification Sherloc (09022015). Collection method: clinical testing. Allele origin: germline.
Comment: This sequence change replaces valine, which is neutral and non-polar, with isoleucine, which is neutral and non-polar, at codon 552 of the XPO5 protein (p.Val552Ile). This variant is present in population databases (no rsID available, gnomAD 0.006%). This missense change has been observed in individual(s) with steroid-resistant nephrotic syndrome (PMID: 26878725). ClinVar contains an entry for this variant (Variation ID: 224963). An algorithm developed to predict the effect of missense changes on protein structure and function (PolyPhen-2) suggests that this variant is likely to be disruptive. In summary, the available evidence is currently insufficient to determine the role of this variant in disease. Therefore, it has been classified as a Variant of Uncertain Significance.

OMIM
Classification: Uncertain significance for VARIANT OF UNKNOWN SIGNIFICANCE. Last evaluated: 2019-09-25. Review status: no assertion criteria provided. Collection method: literature only. Allele origin: germline. Not counted in ClinVar's aggregate classification.

Literature cited by the submitters: PubMed 26878725 (cited by Labcorp Genetics (formerly Invitae), Labcorp and OMIM).